The following is an entry in ClinVar:

NM_000535.7(PMS2):c.479A>C (p.Gln160Pro)

Gene: PMS2 (PMS1 homolog 2, mismatch repair system component; minus strand). Cytogenetic location: 7p22.1.
Variant type: single nucleotide variant.
Coding change: c.479A>C on transcript NM_000535.7 (MANE Select); coding-DNA position 479, A replaced by C.
Protein change: p.Gln160Pro; replaces glutamine 160 with proline.
Molecular consequence: missense variant. On other transcripts: 5 prime UTR variant (2), non-coding transcript variant (1).
Genome position (GRCh38, 1-based): chr7:6,002,511, T>G on the plus strand (A>C on the coding strand, the complement: PMS2 is on the minus strand). VCF-style: chr7-6002511-T-G. GRCh37 (hg19) VCF-style: chr7-6042142-T-G.
Other names: c.74A>C, p.Gln25Pro (NM_001322003.2, NM_001322004.2, NM_001322005.2 and 3 more transcripts); c.479A>C, p.Gln160Pro (NM_001322006.2, NM_001322014.2); c.161A>C, p.Gln54Pro (NM_001322007.2, NM_001322008.2); c.-406A>C (NM_001322011.2, NM_001322012.2); c.170A>C, p.Gln57Pro (NM_001322015.2); short protein forms Q160P, Q57P, Q25P, Q54P.
Identifiers: ClinVar variation 490106 (VCV000490106.6), dbSNP rs1554303922, ClinGen allele CA366744274.

ClinVar aggregate classification (germline): Uncertain significance. Review status: criteria provided, multiple submitters, no conflicts (2 of 4 stars). 2 submissions from 2 submitters: Uncertain significance (2). Last evaluated 2025-03-04.

Conditions:
Hereditary cancer-predisposing syndrome. Also called: Hereditary Cancer Syndrome; Neoplastic Syndromes, Hereditary; Tumor predisposition; Hereditary neoplastic syndrome. Identifiers: Orphanet 140162, MedGen C0027672, MeSH D009386, MONDO:0015356.

Submissions (2):

Center for Genomic Medicine, Rigshospitalet, Copenhagen University Hospital
Classification: Uncertain significance. Last evaluated: 2025-03-04. Review status: criteria provided, single submitter. Criteria: ACMG Guidelines, 2015. Collection method: clinical testing. Allele origin: germline.

Color Diagnostics, LLC DBA Color Health
Classification: Uncertain significance for Hereditary cancer-predisposing syndrome. Last evaluated: 2023-12-05. Review status: criteria provided, single submitter. Criteria: ACMG Guidelines, 2015. Collection method: clinical testing. Allele origin: germline.
Comment: This missense variant replaces glutamine with proline at codon 160 of the PMS2 protein. Computational prediction is inconclusive regarding the impact of this variant on protein structure and function (internally defined REVEL score threshold 0.5 < inconclusive < 0.7, PMID: 27666373). To our knowledge, functional studies have not been reported for this variant. This variant has not been reported in individuals affected with PMS2-related disorders in the literature. This variant has not been identified in the general population by the Genome Aggregation Database (gnomAD). The available evidence is insufficient to determine the role of this variant in disease conclusively. Therefore, this variant is classified as a Variant of Uncertain Significance.